The following is an entry in ClinVar:

NM_000550.3(TYRP1):c.*1_*3dup (p.Ter538=)

Genes: LURAP1L-AS1 (LURAP1L antisense RNA 1; minus strand), TYRP1 (tyrosinase related protein 1; plus strand). Cytogenetic location: 9p23.
Variant type: Duplication.
Coding change: c.*1_*3dup on transcript NM_000550.3 (MANE Select); 1 bases downstream of the stop codon through 3 bases downstream of the stop codon, 3 bases duplicated (CAA; older notation c.*1_*3dupCAA).
Protein change: p.Ter538=.
Molecular consequence: no sequence alteration.
Genome position (GRCh38, 1-based): chr9:12,709,183-12,709,185, CAA duplicated; duplicating any 3 consecutive bases within chr9:12,709,181-12,709,185 gives the same sequence; the c. name uses the placement nearest the transcript's 3' end. VCF-style (leftmost placement, unchanged base first): chr9-12709180-T-TAAC. GRCh37 (hg19) VCF-style: chr9-12709180-T-TAAC.
Identifiers: ClinVar variation 1468540 (VCV001468540.3), dbSNP rs1554648562, ClinGen allele CA860092392.

ClinVar aggregate classification (germline): Uncertain significance (1 of 4 stars; one submission).

Submission:

Labcorp Genetics (formerly Invitae), Labcorp
Classification: Uncertain significance. Last evaluated: 2022-07-06. Review status: criteria provided, single submitter. Criteria: Invitae Variant Classification Sherloc (09022015). Collection method: clinical testing. Allele origin: germline.
Comment: This variant occurs in a non-coding region of the TYRP1 gene. It does not change the encoded amino acid sequence of the TYRP1 protein. This variant is not present in population databases (gnomAD no frequency). This variant has not been reported in the literature in individuals affected with TYRP1-related conditions. Experimental studies and prediction algorithms are not available or were not evaluated, and the functional significance of this variant is currently unknown. In summary, the available evidence is currently insufficient to determine the role of this variant in disease. Therefore, it has been classified as a Variant of Uncertain Significance.